The following is an entry in ClinVar:

ClinVar aggregate classification (germline): Uncertain significance (1 of 4 stars; one submission).

Conditions:
Pancreatic adenocarcinoma. Identifiers: MedGen C0281361, MONDO:0006047, HP:0006725.

Submission:

Labcorp Genetics (formerly Invitae), Labcorp
Classification: Uncertain significance for Pancreatic adenocarcinoma. Last evaluated: 2022-03-17. Review status: criteria provided, single submitter. Criteria: Invitae Variant Classification Sherloc (09022015). Collection method: clinical testing. Allele origin: germline.
Comment: This variant is not present in population databases (gnomAD no frequency). This variant, c.338_349del, results in the deletion of 4 amino acid(s) of the PALLD protein (p.Pro113_Pro116del), but otherwise preserves the integrity of the reading frame. This variant has not been reported in the literature in individuals affected with PALLD-related conditions. Experimental studies and prediction algorithms are not available or were not evaluated, and the functional significance of this variant is currently unknown. In summary, the available evidence is currently insufficient to determine the role of this variant in disease. Therefore, it has been classified as a Variant of Uncertain Significance.

NM_001166108.2(PALLD):c.1965-12693_1965-12682del

Gene: PALLD (palladin, cytoskeletal associated protein; plus strand). Cytogenetic location: 4q32.3.
Variant type: Deletion.
Coding change: c.1965-12693_1965-12682del on transcript NM_001166108.2 (MANE Select); 12693 bases into the intron before coding-DNA position 1965 through 12682 bases into the intron before coding-DNA position 1965, 12 bases deleted (CACCACCGCCGC).
Molecular consequence: intron variant. On other transcripts: inframe deletion (1).
Genome position (GRCh38, 1-based): chr4:168,878,229-168,878,240, CACCACCGCCGC deleted; deleting any 12 consecutive bases within chr4:168,878,222-168,878,240 gives the same sequence; the c. name uses the placement nearest the transcript's 3' end. VCF-style (leftmost placement, unchanged base first): chr4-168878221-GCCGCCGCCACCA-G. GRCh37 (hg19) VCF-style: chr4-169799372-GCCGCCGCCACCA-G.
Other names: c.338_349del, p.Pro113_Pro116del (NM_001166110.2); c.1965-12693_1965-12682del (NM_016081.4); c.819-12693_819-12682del (NM_001166109.2); c.-157-12693_-157-12682del (NM_001367570.1, NM_001367568.1, NM_001367567.1 and 1 more transcripts).
Identifiers: ClinVar variation 2415491 (VCV002415491.6), dbSNP rs1752077603, ClinGen allele CA1511729959.